The following is an entry in ClinVar:

NM_001672.3(ASIP):c.88C>T (p.Leu30Phe)

Genes: AHCY (adenosylhomocysteinase; minus strand), ASIP (agouti signaling protein; plus strand). Cytogenetic location: 20q11.22.
Variant type: single nucleotide variant.
Coding change: c.88C>T on transcript NM_001672.3 (MANE Select); coding-DNA position 88, C replaced by T.
Protein change: p.Leu30Phe; replaces leucine 30 with phenylalanine.
Molecular consequence: missense variant.
Genome position (GRCh38, 1-based): chr20:34,260,462, C>T. VCF-style: chr20-34260462-C-T. GRCh37 (hg19) VCF-style: chr20-32848268-C-T.
Other names: c.88C>T, p.Leu30Phe (NM_001385218.1); short protein forms L30F.
Identifiers: ClinVar variation 5000212 (VCV005000212.1).

ClinVar aggregate classification (germline): Uncertain significance (1 of 4 stars; one submission).

Conditions:
ASIP-related condition.

gnomAD v4.1: 3 of 1,614,194 alleles (0.00019%); highest among the groups gnomAD compares: Non-Finnish European, 0.00025%; no homozygotes.

Submission:

PreventionGenetics, part of Exact Sciences
Classification: Uncertain significance for ASIP-related condition. Last evaluated: 2025-11-25. Review status: criteria provided, single submitter. Criteria: ACMG Guidelines, 2015. Collection method: clinical testing. Allele origin: germline.
Comment: The ASIP c.88C>T variant is predicted to result in the amino acid substitution p.Leu30Phe. To our knowledge, this variant has not been reported in the literature or in a large population database (gnomAD), indicating this variant is rare. At this time, the clinical significance of this variant is uncertain due to the absence of conclusive functional and genetic evidence.